The following is an entry in ClinVar:

ClinVar aggregate classification (germline): Pathogenic (1 of 4 stars; one submission).

Conditions:
Developmental and epileptic encephalopathy, 2 (DEE2). Also called: INFANTILE SPASM SYNDROME, X-LINKED 2; CDKL5 deficiency disorder. Identifiers: Orphanet 1934, Orphanet 3451, Orphanet 505652, MedGen C4750718, MONDO:0010396, OMIM 300672.
Angelman syndrome-like. Identifiers: MedGen CN128785.

Submission:

Labcorp Genetics (formerly Invitae), Labcorp
Classification: Pathogenic for Developmental and epileptic encephalopathy, 2; Angelman syndrome-like. Last evaluated: 2022-08-23. Review status: criteria provided, single submitter. Criteria: Invitae Variant Classification Sherloc (09022015). Collection method: clinical testing. Allele origin: germline.
Comment: For these reasons, this variant has been classified as Pathogenic. This variant has not been reported in the literature in individuals affected with CDKL5-related conditions. This variant is not present in population databases (gnomAD no frequency). This sequence change creates a premature translational stop signal (p.Thr672Argfs*12) in the CDKL5 gene. It is expected to result in an absent or disrupted protein product. Loss-of-function variants in CDKL5 are known to be pathogenic (PMID: 22872100).

Literature cited by the submitters: PubMed 22872100.

NM_001323289.2(CDKL5):c.2009_2012dup (p.Thr672fs)

Gene: CDKL5 (cyclin dependent kinase like 5; plus strand). Cytogenetic location: Xp22.13.
Variant type: Duplication.
Coding change: c.2009_2012dup on transcript NM_001323289.2 (MANE Select); coding-DNA positions 2009 to 2012, 4 bases duplicated (AAGG; older notation c.2009_2012dupAAGG).
Protein change: p.Thr672fs; shifts the reading frame from threonine 672.
Molecular consequence: frameshift variant.
Genome position (GRCh38, 1-based): chrX:18,608,875-18,608,878, AAGG duplicated; duplicating any 4 consecutive bases within chrX:18,608,874-18,608,878 gives the same sequence; the c. name uses the placement nearest the transcript's 3' end. VCF-style (leftmost placement, unchanged base first): chrX-18608873-A-AGAAG. GRCh37 (hg19) VCF-style: chrX-18626993-A-AGAAG.
Other names: c.2009_2012dup, p.Thr672fs (NM_001037343.2, NM_003159.3); short protein forms T672fs.
Identifiers: ClinVar variation 2026466 (VCV002026466.4), dbSNP rs2518880338, ClinGen allele CA2580100493.